The following is an entry in ClinVar:

ClinVar aggregate classification (germline): Uncertain significance (1 of 4 stars; one submission).

Conditions:
Werner syndrome (WRN). Identifiers: Orphanet 902, MedGen C0043119, MONDO:0010196, OMIM 277700.

Submission:

Labcorp Genetics (formerly Invitae), Labcorp
Classification: Uncertain significance for Werner syndrome. Last evaluated: 2022-07-12. Review status: criteria provided, single submitter. Criteria: Invitae Variant Classification Sherloc (09022015). Collection method: clinical testing. Allele origin: germline.
Comment: This sequence change replaces leucine, which is neutral and non-polar, with valine, which is neutral and non-polar, at codon 903 of the WRN protein (p.Leu903Val). This variant is not present in population databases (gnomAD no frequency). This variant has not been reported in the literature in individuals affected with WRN-related conditions. ClinVar contains an entry for this variant (Variation ID: 583111). Algorithms developed to predict the effect of missense changes on protein structure and function are either unavailable or do not agree on the potential impact of this missense change (SIFT: "Not Available"; PolyPhen-2: "Probably Damaging"; Align-GVGD: "Not Available"). Algorithms developed to predict the effect of sequence changes on RNA splicing suggest that this variant may disrupt the consensus splice site. In summary, the available evidence is currently insufficient to determine the role of this variant in disease. Therefore, it has been classified as a Variant of Uncertain Significance.

NM_000553.6(WRN):c.2707C>G (p.Leu903Val)

Gene: WRN (WRN RecQ like helicase; plus strand). Cytogenetic location: 8p12.
Variant type: single nucleotide variant.
Coding change: c.2707C>G on transcript NM_000553.6 (MANE Select); coding-DNA position 2707, C replaced by G.
Protein change: p.Leu903Val; replaces leucine 903 with valine.
Molecular consequence: missense variant.
Genome position (GRCh38, 1-based): chr8:31,124,598, C>G. VCF-style: chr8-31124598-C-G. GRCh37 (hg19) VCF-style: chr8-30982114-C-G.
Other names: short protein forms L903V.
Identifiers: ClinVar variation 583111 (VCV000583111.3), dbSNP rs1563365632, ClinGen allele CA370917005.